The following is an entry in ClinVar:

NM_002972.4(SBF1):c.1637C>T (p.Thr546Ile)

Gene: SBF1 (SET binding factor 1; minus strand). Cytogenetic location: 22q13.33.
Variant type: single nucleotide variant.
Coding change: c.1637C>T on transcript NM_002972.4 (MANE Select); coding-DNA position 1637, C replaced by T.
Protein change: p.Thr546Ile; replaces threonine 546 with isoleucine.
Molecular consequence: missense variant.
Genome position (GRCh38, 1-based): chr22:50,464,441, G>A on the plus strand (C>T on the coding strand, the complement: SBF1 is on the minus strand). VCF-style: chr22-50464441-G-A. GRCh37 (hg19) VCF-style: chr22-50902870-G-A.
Other names: c.1640C>T, p.Thr547Ile (NM_001365819.1); c.1637C>T (NM_002972.2); short protein forms T547I, T546I.
Identifiers: ClinVar variation 1443208 (VCV001443208.3), dbSNP rs1173666513, ClinGen allele CA412217400.

ClinVar aggregate classification (germline): Uncertain significance. Review status: criteria provided, multiple submitters, no conflicts (2 of 4 stars). 2 submissions from 2 submitters: Uncertain significance (2). Last evaluated 2023-03-19.

Allele frequency attached by ClinVar (database versions not stated): gnomAD exomes below 0.00001 and 0.00001; TOPMed 0.00001; gnomAD 0.00002.
gnomAD v4.1: 14 of 1,612,964 alleles (0.00087%); highest among the groups gnomAD compares: Non-Finnish European, 0.0012%; no homozygotes.

Submissions (2):

GeneDx
Classification: Uncertain significance. Last evaluated: 2023-03-19. Review status: criteria provided, single submitter. Criteria: GeneDx Variant Classification Process June 2021. Collection method: clinical testing. Allele origin: germline. Affected: yes.
Comment: Not observed at significant frequency in large population cohorts (gnomAD); In silico analysis supports that this missense variant does not alter protein structure/function; Has not been previously published as pathogenic or benign to our knowledge

Labcorp Genetics (formerly Invitae), Labcorp
Classification: Uncertain significance. Last evaluated: 2021-10-12. Review status: criteria provided, single submitter. Criteria: Invitae Variant Classification Sherloc (09022015). Collection method: clinical testing. Allele origin: germline.
Comment: This sequence change replaces threonine with isoleucine at codon 546 of the SBF1 protein (p.Thr546Ile). The threonine residue is weakly conserved and there is a moderate physicochemical difference between threonine and isoleucine. This variant is not present in population databases (ExAC no frequency). This variant has not been reported in the literature in individuals affected with SBF1-related conditions. Algorithms developed to predict the effect of missense changes on protein structure and function (SIFT, PolyPhen-2, Align-GVGD) all suggest that this variant is likely to be tolerated. In summary, the available evidence is currently insufficient to determine the role of this variant in disease. Therefore, it has been classified as a Variant of Uncertain Significance.